The following is an entry in ClinVar:

NM_001111.5(ADAR):c.2388C>G (p.Asn796Lys)

Gene: ADAR (adenosine deaminase RNA specific; minus strand). Cytogenetic location: 1q21.3.
Variant type: single nucleotide variant.
Coding change: c.2388C>G on transcript NM_001111.5 (MANE Select); coding-DNA position 2388, C replaced by G.
Protein change: p.Asn796Lys; replaces asparagine 796 with lysine.
Molecular consequence: missense variant.
Genome position (GRCh38, 1-based): chr1:154,590,292, G>C on the plus strand (C>G on the coding strand, the complement: ADAR is on the minus strand). VCF-style: chr1-154590292-G-C. GRCh37 (hg19) VCF-style: chr1-154562768-G-C.
Other names: c.2331C>G, p.Asn777Lys (NM_015841.4); c.1503C>G, p.Asn501Lys (NM_001025107.3, NM_001193495.2, NM_001365046.1 and 3 more transcripts); c.2415C>G, p.Asn805Lys (NM_001365045.1); c.2388C>G, p.Asn796Lys (NM_015840.4); short protein forms N796K, N501K, N805K, N777K.
Identifiers: ClinVar variation 2937182 (VCV002937182.3), dbSNP rs1251582638, ClinGen allele CA342637360.
Genomic context (GRCh38, chr1:154,590,292, plus strand): 5'-TCTGAGACTGGCCCCTGTCACTGGGGTTACCTCTGTGAAACCCATGCGTTCTGCCTTCTC[G>C]TTCTCCCCAATCAAGACACGGAGAGCCGCATCTGCTGCTTCCTGCTTGCCTTGCTTCTTG-3'
Protein context (NP_001102.3, residues 786-806): DAALRVLIGE[Asn796Lys]EKAERMGFTE

ClinVar aggregate classification (germline): Uncertain significance (1 of 4 stars; one submission).

Conditions:
Symmetrical dyschromatosis of extremities (DSH). Also called: RETICULATE ACROPIGMENTATION OF DOHI; SYMMETRIC DYSCHROMATOSIS OF THE EXTREMITIES; Dyschromatosis symmetrica hereditaria; DYSCHROMATOSIS SYMMETRICA HEREDITARIA 1. Identifiers: Orphanet 41, MedGen C0406775, MONDO:0007483, OMIM 127400.
Aicardi-Goutieres syndrome 6 (AGS6). Identifiers: Orphanet 51, MedGen C3539013, MONDO:0014007, OMIM 615010.

Submission:

Labcorp Genetics (formerly Invitae), Labcorp
Classification: Uncertain significance for Aicardi-Goutieres syndrome 6; Symmetrical dyschromatosis of extremities. Last evaluated: 2022-11-28. Review status: criteria provided, single submitter. Criteria: Invitae Variant Classification Sherloc (09022015). Collection method: clinical testing. Allele origin: germline.
Comment: In summary, the available evidence is currently insufficient to determine the role of this variant in disease. Therefore, it has been classified as a Variant of Uncertain Significance. Advanced modeling of protein sequence and biophysical properties (such as structural, functional, and spatial information, amino acid conservation, physicochemical variation, residue mobility, and thermodynamic stability) performed at Invitae indicates that this missense variant is not expected to disrupt ADAR protein function. This variant has not been reported in the literature in individuals affected with ADAR-related conditions. This variant is not present in population databases (gnomAD no frequency). This sequence change replaces asparagine, which is neutral and polar, with lysine, which is basic and polar, at codon 796 of the ADAR protein (p.Asn796Lys).